The following is an entry in ClinVar:

ClinVar aggregate classification (germline): Uncertain significance (1 of 4 stars; one submission).

Allele frequency attached by ClinVar (database versions not stated): gnomAD exomes below 0.00001; gnomAD 0.00001.
gnomAD v4.1: 1 of 1,613,642 alleles (0.000062%); highest among the groups gnomAD compares: Non-Finnish European, 0.000085%; no homozygotes.

Submission:

Labcorp Genetics (formerly Invitae), Labcorp
Classification: Uncertain significance. Last evaluated: 2024-05-15. Review status: criteria provided, single submitter. Criteria: Invitae Variant Classification Sherloc (09022015). Collection method: clinical testing. Allele origin: germline.
Comment: This sequence change replaces isoleucine, which is neutral and non-polar, with valine, which is neutral and non-polar, at codon 3365 of the PCLO protein (p.Ile3365Val). This variant is present in population databases (no rsID available, gnomAD 0.002%). This variant has not been reported in the literature in individuals affected with PCLO-related conditions. ClinVar contains an entry for this variant (Variation ID: 1375974). Experimental studies and prediction algorithms are not available or were not evaluated, and the functional significance of this variant is currently unknown. In summary, the available evidence is currently insufficient to determine the role of this variant in disease. Therefore, it has been classified as a Variant of Uncertain Significance.

NM_033026.6(PCLO):c.10093A>G (p.Ile3365Val)

Gene: PCLO (piccolo presynaptic cytomatrix protein; minus strand). Cytogenetic location: 7q21.11.
Variant type: single nucleotide variant.
Coding change: c.10093A>G on transcript NM_033026.6 (MANE Select); coding-DNA position 10093, A replaced by G.
Protein change: p.Ile3365Val; replaces isoleucine 3365 with valine.
Molecular consequence: missense variant.
Genome position (GRCh38, 1-based): chr7:82,950,495, T>C on the plus strand (A>G on the coding strand, the complement: PCLO is on the minus strand). VCF-style: chr7-82950495-T-C. GRCh37 (hg19) VCF-style: chr7-82579811-T-C.
Other names: c.10093A>G, p.Ile3365Val (NM_014510.3); short protein forms I3365V.
Identifiers: ClinVar variation 1375974 (VCV001375974.6), dbSNP rs1328115968, ClinGen allele CA367905557.